The following is an entry in ClinVar:

ClinVar aggregate classification (germline): Benign/Likely benign. Review status: criteria provided, multiple submitters, no conflicts (2 of 4 stars). 2 submissions from 2 submitters: Benign (1); Likely benign (1). Last evaluated 2026-01-21.

Conditions:
LSR-related condition.

gnomAD v4.1: 371 of 1,612,002 alleles (0.023%); highest among the groups gnomAD compares: South Asian, 0.36%; 3 homozygotes.

Submissions (2):

PreventionGenetics, part of Exact Sciences
Classification: Likely benign for LSR-related condition. Last evaluated: 2026-01-21. Review status: criteria provided, single submitter. Criteria: ACMG Guidelines, 2015. Collection method: clinical testing. Allele origin: germline.
Comment: This variant is classified as likely benign based on ACMG/AMP sequence variant interpretation guidelines (Richards et al. 2015 PMID: 25741868, with internal and published modifications).

Labcorp Genetics (formerly Invitae), Labcorp
Classification: Benign. Last evaluated: 2024-04-09. Review status: criteria provided, single submitter. Criteria: Invitae Variant Classification Sherloc (09022015). Collection method: clinical testing. Allele origin: germline.

NM_205834.4(LSR):c.906C>T (p.Asn302=)

Gene: LSR (lipolysis stimulated lipoprotein receptor; plus strand). Cytogenetic location: 19q13.12.
Variant type: single nucleotide variant.
Coding change: c.906C>T on transcript NM_205834.4 (MANE Select); coding-DNA position 906, C replaced by T.
Protein change: p.Asn302=; no amino-acid change (asparagine 302 retained).
Molecular consequence: synonymous variant.
Genome position (GRCh38, 1-based): chr19:35,266,486, C>T. VCF-style: chr19-35266486-C-T. GRCh37 (hg19) VCF-style: chr19-35757389-C-T.
Other names: c.1050C>T (NM_205834.3); c.849C>T, p.Asn283= (NM_001260489.2, NM_015925.7); c.582C>T, p.Asn194= (NM_001260490.2); c.702C>T, p.Asn234= (NM_001385215.1, NM_205835.4).
Identifiers: ClinVar variation 3709352 (VCV003709352.3).
Genomic context (GRCh38, chr19:35,266,486, plus strand): 5'-CCTGTCTCCCGCCAAGACCCCACCCCCACCAGCTATGATTCCCATGGGCCCTGCCTACAA[C>T]GGGTACCCTGGAGGATACCCTGGAGACGTTGACAGGAGTAGCTCAGGTGAGGCCGGGGGA-3'
Protein context (NP_991403.2, residues 292-312): PAMIPMGPAY[Asn302=]GYPGGYPGDV